The following is an entry in ClinVar:

NM_012469.4(PRPF6):c.2546+7G>A

Gene: PRPF6 (pre-mRNA processing factor 6; plus strand). Cytogenetic location: 20q13.33.
Variant type: single nucleotide variant.
Coding change: c.2546+7G>A on transcript NM_012469.4 (MANE Select); 7 bases into the intron after coding-DNA position 2546, G replaced by A.
Molecular consequence: intron variant.
Genome position (GRCh38, 1-based): chr20:64,029,498, G>A. VCF-style: chr20-64029498-G-A. GRCh37 (hg19) VCF-style: chr20-62660851-G-A.
Identifiers: ClinVar variation 2833841 (VCV002833841.3), dbSNP rs2517654191, ClinGen allele CA2739277250.

ClinVar aggregate classification (germline): Uncertain significance (1 of 4 stars; one submission).

Submission:

Labcorp Genetics (formerly Invitae), Labcorp
Classification: Uncertain significance. Last evaluated: 2023-08-17. Review status: criteria provided, single submitter. Criteria: Invitae Variant Classification Sherloc (09022015). Collection method: clinical testing. Allele origin: germline.
Comment: This sequence change falls in intron 19 of the PRPF6 gene. It does not directly change the encoded amino acid sequence of the PRPF6 protein. This variant is not present in population databases (gnomAD no frequency). This variant has not been reported in the literature in individuals affected with PRPF6-related conditions. Algorithms developed to predict the effect of sequence changes on RNA splicing suggest that this variant may disrupt the consensus splice site. In summary, the available evidence is currently insufficient to determine the role of this variant in disease. Therefore, it has been classified as a Variant of Uncertain Significance.